The following is an entry in ClinVar:

NM_001292063.2(OTOG):c.4067C>T (p.Ser1356Phe)

Gene: OTOG (otogelin; plus strand). Cytogenetic location: 11p15.1.
Variant type: single nucleotide variant.
Coding change: c.4067C>T on transcript NM_001292063.2 (MANE Select); coding-DNA position 4067, C replaced by T.
Protein change: p.Ser1356Phe; replaces serine 1356 with phenylalanine.
Molecular consequence: missense variant.
Genome position (GRCh38, 1-based): chr11:17,606,046, C>T. VCF-style: chr11-17606046-C-T. GRCh37 (hg19) VCF-style: chr11-17627593-C-T.
Other names: p.Ser1368Phe; c.4103C>T, p.Ser1368Phe (NM_001277269.2); short protein forms S1356F, S1368F.
Identifiers: ClinVar variation 2683141 (VCV002683141.1), dbSNP rs1286270748, ClinGen allele CA379792489.

ClinVar aggregate classification (germline): Uncertain significance (1 of 4 stars; one submission).

Allele frequency attached by ClinVar (database versions not stated): TOPMed below 0.00001; gnomAD 0.00001.
gnomAD v4.1: 4 of 1,550,430 alleles (0.00026%); highest among the groups gnomAD compares: Non-Finnish European, 0.00035%; no homozygotes.

Submission:

Mayo Clinic Laboratories, Mayo Clinic
Classification: Uncertain significance. Last evaluated: 2021-07-30. Review status: criteria provided, single submitter. Criteria: ACMG Guidelines, 2015. Collection method: clinical testing. Allele origin: germline. Observed: 1 variant allele.
Comment: BP4